The following is an entry in ClinVar:

NM_014285.7(EXOSC2):c.847G>C (p.Glu283Gln)

Gene: EXOSC2 (exosome component 2; plus strand). Cytogenetic location: 9q34.12.
Variant type: single nucleotide variant.
Coding change: c.847G>C on transcript NM_014285.7 (MANE Select); coding-DNA position 847, G replaced by C.
Protein change: p.Glu283Gln; replaces glutamic acid 283 with glutamine.
Molecular consequence: missense variant. On other transcripts: non-coding transcript variant (1).
Genome position (GRCh38, 1-based): chr9:130,703,739, G>C. VCF-style: chr9-130703739-G-C. GRCh37 (hg19) VCF-style: chr9-133579126-G-C.
Other names: c.769G>C, p.Glu257Gln (NM_001282708.1); c.757G>C, p.Glu253Gln (NM_001282709.1); short protein forms E253Q, E257Q, E283Q.
Identifiers: ClinVar variation 2093896 (VCV002093896.4), dbSNP rs754695417, ClinGen allele CA5285004.
Genomic context (GRCh38, chr9:130,703,739, plus strand): 5'-TTTTCCCTTTTTCAGATCAAAGACATCTTAAAGCCAGAAATAATGGAGGAGATTGTGATG[G>C]AAACACGCCAGAGGCTTTTGGAACAGGAGGGATAAGGAGGTGCTCCAGAAGCACGGGACT-3'
Protein context (NP_055100.2, residues 273-293): KPEIMEEIVM[Glu283Gln]TRQRLLEQEG

ClinVar aggregate classification (germline): Uncertain significance (1 of 4 stars; one submission).

Allele frequency attached by ClinVar (database versions not stated): ExAC 0.00001; gnomAD 0.00001; gnomAD exomes 0.00001.
gnomAD v4.1: 14 of 1,613,766 alleles (0.00087%); highest among the groups gnomAD compares: Non-Finnish European, 0.0012%; no homozygotes.

Submission:

Labcorp Genetics (formerly Invitae), Labcorp
Classification: Uncertain significance. Last evaluated: 2022-02-06. Review status: criteria provided, single submitter. Criteria: Invitae Variant Classification Sherloc (09022015). Collection method: clinical testing. Allele origin: germline.
Comment: In summary, the available evidence is currently insufficient to determine the role of this variant in disease. Therefore, it has been classified as a Variant of Uncertain Significance. Algorithms developed to predict the effect of missense changes on protein structure and function (SIFT, PolyPhen-2, Align-GVGD) all suggest that this variant is likely to be tolerated. This variant has not been reported in the literature in individuals affected with EXOSC2-related conditions. This variant is present in population databases (rs754695417, gnomAD 0.0009%). This sequence change replaces glutamic acid, which is acidic and polar, with glutamine, which is neutral and polar, at codon 283 of the EXOSC2 protein (p.Glu283Gln).